The following is an entry in ClinVar:

NM_023110.3(FGFR1):c.1519_1520insTTTGTTGG (p.Arg507fs)

Gene: FGFR1 (fibroblast growth factor receptor 1; minus strand). Cytogenetic location: 8p11.23.
Variant type: Insertion.
Coding change: c.1519_1520insTTTGTTGG on transcript NM_023110.3 (MANE Select); coding-DNA positions 1519 to 1520, TTTGTTGG inserted.
Protein change: p.Arg507fs; shifts the reading frame from arginine 507.
Molecular consequence: frameshift variant.
Genome position: GRCh38 VCF-style: chr8-38417902-C-CCCAACAAA. GRCh37 (hg19) VCF-style: chr8-38275420-C-CCCAACAAA.
Other names: c.1519_1520insTTTGTTGG, p.Arg507Leufs (NM_000604.2); c.1513_1514insTTTGTTGG, p.Arg505fs (NM_001174063.2, NM_001174065.2, NM_001354367.2 and 1 more transcripts); c.1489_1490insTTTGTTGG, p.Arg497fs (NM_001174064.2); c.1252_1253insTTTGTTGG, p.Arg418fs (NM_001174066.2, NM_023105.3); c.1612_1613insTTTGTTGG, p.Arg538fs (NM_001174067.2); c.1240_1241insTTTGTTGG, p.Arg414fs (NM_001354368.2); c.1507_1508insTTTGTTGG, p.Arg503fs (NM_001354369.2, NM_001410922.1); c.1246_1247insTTTGTTGG, p.Arg416fs (NM_001354370.2, NM_023106.3); short protein forms R414fs, R416fs, R418fs, R497fs, R503fs, R505fs, R507fs, R538fs.
Identifiers: ClinVar variation 2505389 (VCV002505389.1), dbSNP rs2536912033, ClinGen allele CA2580614542.

ClinVar aggregate classification (germline): Pathogenic (1 of 4 stars; one submission).

Conditions:
Hypogonadotropic hypogonadism 2 with or without anosmia (HH2). Also called: FGFR1-Related GnRH Deficiency (Kallmann Syndrome 2); HYPOGONADOTROPIC HYPOGONADISM 2 WITHOUT ANOSMIA; HYPOGONADOTROPIC HYPOGONADISM 2 WITH OR WITHOUT ANOSMIA, SUSCEPTIBILITY TO; HYPOGONADOTROPIC HYPOGONADISM 2 WITHOUT ANOSMIA, SUSCEPTIBILITY TO. Identifiers: Orphanet 478, MedGen C1563720, MONDO:0007844, OMIM 147950. Disease mechanism: loss of function.

Submission:

Reproductive Endocrine Unit, Massachusetts General Hospital
Classification: Pathogenic for Hypogonadotropic hypogonadism 2 with or without anosmia. Last evaluated: 2023-05-04. Review status: criteria provided, single submitter. Criteria: ACMG Guidelines, 2015. Collection method: research. Allele origin: unknown. Affected: yes. Observed: 1 variant allele.
Comment: The variant NM_023110.2:c.1519_1520insTTTGTTGG, p.(R507Leufs*5) het has been classified as P1c based on the variant meeting the following ACMG Criteria: PVS1,PM2,PP3.